The following is an entry in ClinVar:

NM_000238.4(KCNH2):c.1262C>A (p.Thr421Lys)

Gene: KCNH2 (potassium voltage-gated channel subfamily H member 2; minus strand). Cytogenetic location: 7q36.1.
Variant type: single nucleotide variant.
Coding change: c.1262C>A on transcript NM_000238.4 (MANE Select); coding-DNA position 1262, C replaced by A.
Protein change: p.Thr421Lys; replaces threonine 421 with lysine.
Molecular consequence: missense variant.
Genome position (GRCh38, 1-based): chr7:150,952,720, G>T on the plus strand (C>A on the coding strand, the complement: KCNH2 is on the minus strand). VCF-style: chr7-150952720-G-T. GRCh37 (hg19) VCF-style: chr7-150649808-G-T.
Other names: p.T421K:ACG>AAG; c.242C>A, p.Thr81Lys (NM_001204798.2, NM_172057.3); c.974C>A, p.Thr325Lys (NM_001406753.1, NM_001406756.1); c.1085C>A, p.Thr362Lys (NM_001406755.1); c.962C>A, p.Thr321Lys (NM_001406757.1); c.1262C>A, p.Thr421Lys (NM_172056.3); short protein forms T421K, T81K, T362K, T321K, T325K.
Identifiers: ClinVar variation 200331 (VCV000200331.4), dbSNP rs199472894, ClinGen allele CA004343.
Genomic context (GRCh38, chr7:150,952,720, plus strand): 5'-GGCGGGCCTTCTTCCGTCTCCTTCAGCAGGAAGGCAGCCGAGTAGGGTGTGAAGACAGCC[G>T]TGTAGATGACCAGCAGCAGGATGAGCCAGTCCCACACGGCCTTGAAGGGGCTGTAATGCA-3'
Protein context (NP_000229.1, residues 411-431): DWLILLLVIY[Thr421Lys]AVFTPYSAAF

ClinVar aggregate classification (germline): Pathogenic (1 of 4 stars; one submission).

Submission:

GeneDx
Classification: Pathogenic. Last evaluated: 2013-03-31. Review status: criteria provided, single submitter. Criteria: GeneDx Variant Classification (06012015). Collection method: clinical testing. Allele origin: germline. Affected: yes.
Comment: p.Thr421Lys (ACG>AAG): c.1262 C>A in exon 6 of the KCNH2 (aka HERG) gene (NM_000238.2)While the Thr421Lys mutation in the KCNH2 gene has not been reported to our knowledge, a mutation affecting this same codon, Thr421Met, has been reported in association with LQTS (Tester D et al., 2005). Additionally, mutations in nearby residues (Leu413Pro, Tyr420Cys, Ala422Thr) have been reported in association with LQTS, further supporting the functional importance of this codon and this region of the protein. Thr421Lys results in a semi-conservative amino acid substitution of a neutral, polar Threonine with a positively charged Lysine at a position that is conserved across species. In silico analysis predicts Thr421Lys is probably damaging to the protein structure/function. Furthermore, Thr421Lys was not observed in approximately 6,500 individuals of European and African American ancestry in the NHLBI Exome Sequencing Project, indicating it is not a common benign variant in these populations.In summary, Thr421Lys in the KCNH2 gene is interpreted as a likely disease-causing mutation. The variant is found in LQT panel(s).